The following is an entry in ClinVar:

NM_000138.5(FBN1):c.4094A>G (p.Asp1365Gly)

Gene: FBN1 (fibrillin 1; minus strand). Cytogenetic location: 15q21.1.
Variant type: single nucleotide variant.
Coding change: c.4094A>G on transcript NM_000138.5 (MANE Select); coding-DNA position 4094, A replaced by G.
Protein change: p.Asp1365Gly; replaces aspartic acid 1365 with glycine.
Molecular consequence: missense variant.
Genome position (GRCh38, 1-based): chr15:48,474,371, T>C on the plus strand (A>G on the coding strand, the complement: FBN1 is on the minus strand). VCF-style: chr15-48474371-T-C. GRCh37 (hg19) VCF-style: chr15-48766568-T-C.
Other names: p.D1365G:GAC>GGC; short protein forms D1365G.
Identifiers: ClinVar variation 200035 (VCV000200035.9), dbSNP rs794728217, ClinGen allele CA014752.
Genomic context (GRCh38, chr15:48,474,371, plus strand): 5'-CCCATGGTATTCTTGCAGTCTGCATGCTGGCTGCACATATGGGTTCCATTGGAACATTCG[T>C]CCAGATCTTATAGAAAAAGGTTATATCATTATTAACAGAAAGGGTGGTATTTAAAACCAA-3'
Protein context (NP_000129.3, residues 1355-1375): IGDGIKCTDL[Asp1365Gly]ECSNGTHMCS

ClinVar aggregate classification (germline): Conflicting classifications of pathogenicity. Review status: criteria provided, conflicting classifications (1 of 4 stars). 2 submissions from 2 submitters: Likely pathogenic (1); Uncertain significance (1). Last evaluated 2023-11-19.

Conditions:
Marfan syndrome (MFS). Also called: Marfan syndrome, classic; FBN1-Related Marfan Syndrome; Marfan syndrome type 1; Marfan's syndrome; MARFAN SYNDROME, TYPE I. Identifiers: Orphanet 284963, Orphanet 558, MedGen C0024796, MONDO:0007947, OMIM 154700.
Familial thoracic aortic aneurysm and aortic dissection (TAAD). Also called: Thoracic aortic aneurysms and dissections. Identifiers: Orphanet 91387, MedGen C4707243, MONDO:0019625.

Allele frequency attached by ClinVar (database versions not stated): gnomAD exomes below 0.00001.
gnomAD v4.1: 1 of 1,614,130 alleles (0.000062%); no homozygotes.

Submissions (2):

Labcorp Genetics (formerly Invitae), Labcorp
Classification: Uncertain significance for Marfan syndrome; Familial thoracic aortic aneurysm and aortic dissection. Last evaluated: 2023-11-19. Review status: criteria provided, single submitter. Criteria: Invitae Variant Classification Sherloc (09022015). Collection method: clinical testing. Allele origin: germline.
Comment: This sequence change replaces aspartic acid, which is acidic and polar, with glycine, which is neutral and non-polar, at codon 1365 of the FBN1 protein (p.Asp1365Gly). This variant is not present in population databases (gnomAD no frequency). This missense change has been observed in individual(s) with clinical features of thoracic aortic aneurysm and aortic dissection (Invitae). ClinVar contains an entry for this variant (Variation ID: 200035). Advanced modeling of protein sequence and biophysical properties (such as structural, functional, and spatial information, amino acid conservation, physicochemical variation, residue mobility, and thermodynamic stability) performed at Invitae indicates that this missense variant is expected to disrupt FBN1 protein function with a positive predictive value of 95%. In summary, the available evidence is currently insufficient to determine the role of this variant in disease. Therefore, it has been classified as a Variant of Uncertain Significance.

GeneDx
Classification: Likely pathogenic. Last evaluated: 2014-06-18. Review status: criteria provided, single submitter. Criteria: GeneDx Variant Classification (06012015). Collection method: clinical testing. Allele origin: germline. Affected: yes.
Comment: p.Asp1365Gly (GAC>GGC): c.4094 A>G in exon 34 of the FBN1 gene (NM_000138.4) A D1365G variant that is likely pathogenic was identified in the FBN1 gene. It has not been published as a mutation, nor has it been reported as a benign polymorphism to our knowledge. The D1365G variant was not observed in approximately 6,500 individuals of European and African American ancestry in the NHLBI Exome Sequencing Project, indicating it is not a common benign variant in these populations. The D1365G variant is a non-conservative amino acid substitution, which is likely to impact secondary protein structure as these residues differ in polarity, charge, size and/or other properties. This substitution occurs at a position that is conserved across species. In silico analysis predicts this variant is probably damaging to the protein structure/function. Furthermore, missense mutations in nearby residues (C1361Y, C1366K, C1367R, C1374G) have been reported in association with Marfan syndrome, supporting the functional importance of this region of the protein. Therefore, this variant is a strong candidate for a pathogenic mutation, however the possibility that it is a benign variant cannot be excluded. The variant is found in TAAD panel(s).